The following is an entry in ClinVar:

ClinVar aggregate classification (germline): Uncertain significance (1 of 4 stars; one submission).

Allele frequency attached by ClinVar (database versions not stated): gnomAD exomes below 0.00001.
gnomAD v4.1: 1 of 1,613,880 alleles (0.000062%); highest among the groups gnomAD compares: Admixed American, 0.0017%; no homozygotes.

Submission:

Labcorp Genetics (formerly Invitae), Labcorp
Classification: Uncertain significance. Last evaluated: 2022-06-20. Review status: criteria provided, single submitter. Criteria: Invitae Variant Classification Sherloc (09022015). Collection method: clinical testing. Allele origin: germline.
Comment: This sequence change replaces valine, which is neutral and non-polar, with isoleucine, which is neutral and non-polar, at codon 149 of the SAG protein (p.Val149Ile). This variant is not present in population databases (gnomAD no frequency). This variant has not been reported in the literature in individuals affected with SAG-related conditions. Algorithms developed to predict the effect of missense changes on protein structure and function are either unavailable or do not agree on the potential impact of this missense change (SIFT: "Tolerated"; PolyPhen-2: "Probably Damaging"; Align-GVGD: "Class C0"). In summary, the available evidence is currently insufficient to determine the role of this variant in disease. Therefore, it has been classified as a Variant of Uncertain Significance.

NM_000541.5(SAG):c.445G>A (p.Val149Ile)

Gene: SAG (S-antigen visual arrestin; plus strand). Cytogenetic location: 2q37.1.
Variant type: single nucleotide variant.
Coding change: c.445G>A on transcript NM_000541.5 (MANE Select); coding-DNA position 445, G replaced by A.
Protein change: p.Val149Ile; replaces valine 149 with isoleucine.
Molecular consequence: missense variant.
Genome position (GRCh38, 1-based): chr2:233,327,130, G>A. VCF-style: chr2-233327130-G-A. GRCh37 (hg19) VCF-style: chr2-234235776-G-A.
Other names: short protein forms V149I.
Identifiers: ClinVar variation 1353701 (VCV001353701.8), dbSNP rs2125335080, ClinGen allele CA351047134.